The following is an entry in ClinVar:

NM_020919.4(ALS2):c.3905G>A (p.Arg1302His)

Gene: ALS2 (alsin Rho guanine nucleotide exchange factor ALS2; minus strand). Cytogenetic location: 2q33.1.
Variant type: single nucleotide variant.
Coding change: c.3905G>A on transcript NM_020919.4 (MANE Select); coding-DNA position 3905, G replaced by A.
Protein change: p.Arg1302His; replaces arginine 1302 with histidine.
Molecular consequence: missense variant.
Genome position (GRCh38, 1-based): chr2:201,715,771, C>T on the plus strand (G>A on the coding strand, the complement: ALS2 is on the minus strand). VCF-style: chr2-201715771-C-T. GRCh37 (hg19) VCF-style: chr2-202580494-C-T.
Other names: short protein forms R1302H.
Identifiers: ClinVar variation 696111 (VCV000696111.17), dbSNP rs199577696, ClinGen allele CA2057726.

ClinVar aggregate classification (germline): Likely benign. Review status: criteria provided, multiple submitters, no conflicts (2 of 4 stars). 6 submissions from 5 submitters: Likely benign (6). Last evaluated 2025-08-01.

Conditions:
Infantile-onset ascending hereditary spastic paralysis (IAHSP). Also called: Infantile-Onset Ascending Hereditary Spastic Paralysis (IAHSP); Autosomal Recessive Juvenile Amyotrophic Lateral Sclerosis. Identifiers: Orphanet 293168, MedGen C2931441, MONDO:0011797, OMIM 607225. Disease mechanism: loss of function.
Amyotrophic lateral sclerosis type 2, juvenile. Also called: ALS, JUVENILE; Amyotrophic lateral sclerosis type 2. Identifiers: Orphanet 300605, MedGen C1859807, MONDO:0008780, OMIM 205100.
ALS2-related disorder. Also called: ALS2-related disorders; ALS2-related condition; ALS2-Related Spectrum Disorders. Identifiers: MedGen CN169291.

Allele frequency attached by ClinVar (database versions not stated): gnomAD exomes 0.00011 and 0.00023; ExAC 0.00033; ESP Exome Variant Server 0.00075; gnomAD 0.00098 and 0.00105; TOPMed 0.00111; 1000 Genomes Project 0.00140; 1000 Genomes Project 30x 0.00156.
gnomAD v4.1: 315 of 1,614,188 alleles (0.02%); highest among the groups gnomAD compares: African/African-American, 0.36%; no homozygotes.

Submissions (6):

Labcorp Genetics (formerly Invitae), Labcorp
Classification: Likely benign for Infantile-onset ascending hereditary spastic paralysis. Last evaluated: 2025-08-01. Review status: criteria provided, single submitter. Criteria: Invitae Variant Classification Sherloc (09022015). Collection method: clinical testing. Allele origin: germline.

PreventionGenetics, part of Exact Sciences
Classification: Likely benign for ALS2-related condition. Last evaluated: 2025-02-11. Review status: criteria provided, single submitter. Criteria: ACMG Guidelines, 2015. Collection method: clinical testing. Allele origin: germline.
Comment: This variant is classified as likely benign based on ACMG/AMP sequence variant interpretation guidelines (Richards et al. 2015 PMID: 25741868, with internal and published modifications).

Athena Diagnostics
Classification: Likely benign. Last evaluated: 2024-10-02. Review status: criteria provided, single submitter. Criteria: Athena Diagnostics Criteria. Collection method: clinical testing. Allele origin: unknown.

Illumina Laboratory Services, Illumina
Classification: Likely benign for Amyotrophic lateral sclerosis type 2. Last evaluated: 2017-04-28. Review status: criteria provided, single submitter. Criteria: ICSL Variant Classification Criteria 13 December 2019. Collection method: clinical testing. Allele origin: germline.
Comment: This variant was observed as part of a predisposition screen in an ostensibly healthy population. A literature search was performed for the gene, cDNA change, and amino acid change (where applicable). Publications were found based on this search. The evidence from the literature, in combination with allele frequency data from public databases where available, was sufficient to determine this variant is unlikely to cause disease. Therefore, this variant is classified as likely benign.

Illumina Laboratory Services, Illumina
Classification: Likely benign for ALS2-Related Disorders. Last evaluated: 2017-04-28. Review status: criteria provided, single submitter. Criteria: ICSL Variant Classification Criteria 13 December 2019. Collection method: clinical testing. Allele origin: germline.
Comment: This variant was observed as part of a predisposition screen in an ostensibly healthy population. A literature search was performed for the gene, cDNA change, and amino acid change (where applicable). No publications were found based on this search. Allele frequency data from public databases allowed determination this variant is unlikely to cause disease. Therefore, this variant is classified as likely benign.

Breakthrough Genomics
Classification: Likely benign. Review status: criteria provided, single submitter. Criteria: ACMG Guidelines, 2015. Collection method: not provided. Allele origin: germline. Inheritance: Autosomal recessive inheritance. Affected: yes.

Literature cited by the submitters: PubMed 25588603 (cited by Athena Diagnostics and Illumina Laboratory Services, Illumina).